The following is an entry in ClinVar:

ClinVar aggregate classification (germline): Uncertain significance (1 of 4 stars; one submission).

Submission:

GeneDx
Classification: Uncertain significance. Last evaluated: 2023-06-26. Review status: criteria provided, single submitter. Criteria: GeneDx Variant Classification Process June 2021. Collection method: clinical testing. Allele origin: germline.
Comment: Frameshift variant predicted to result in protein truncation or nonsense mediated decay in a gene or region of a gene for which loss of function is not a well-established mechanism of disease; Has not been previously published as pathogenic or benign to our knowledge; Variants in candidate genes are classified as variants of uncertain significance in accordance with ACMG guidelines (Richards et al., 2015)

NM_002332.3(LRP1):c.1847_1856del (p.Leu616fs)

Gene: LRP1 (LDL receptor related protein 1; plus strand). Cytogenetic location: 12q13.3.
Variant type: Deletion.
Coding change: c.1847_1856del on transcript NM_002332.3 (MANE Select); coding-DNA positions 1847 to 1856, 10 bases deleted (TGTACTGGAC; older notation c.1847_1856delTGTACTGGAC).
Protein change: p.Leu616fs; shifts the reading frame from leucine 616.
Molecular consequence: frameshift variant.
Genome position (GRCh38, 1-based): chr12:57,159,873-57,159,882, TGTACTGGAC deleted; deleting any 10 consecutive bases within chr12:57,159,872-57,159,882 gives the same sequence; the c. name uses the placement nearest the transcript's 3' end. VCF-style (leftmost placement, unchanged base first): chr12-57159871-TCTGTACTGGA-T. GRCh37 (hg19) VCF-style: chr12-57553654-TCTGTACTGGA-T.
Other names: short protein forms L616fs.
Identifiers: ClinVar variation 4976646 (VCV004976646.1).
Genomic context (GRCh38, chr12:57,159,871, plus strand): 5'-TCTTCCCCCAACAGGCATCCACAATGTGGAGGGTGTGGCCGTGGACTGGATGGGAGACAA[TCTGTACTGGA>T]CGGACGATGGGCCCAAAAAGACAATCAGCGTGGCCAGGCTGGAGAAAGCTGCTCAGACCC-3'